The following is an entry in ClinVar:

NM_181703.4(GJA5):c.433del (p.Leu145fs)

Gene: GJA5 (gap junction protein alpha 5; minus strand). Cytogenetic location: 1q21.2.
Variant type: Deletion.
Coding change: c.433del on transcript NM_181703.4 (MANE Select); coding-DNA position 433, one base deleted (C; older notation c.433delC).
Protein change: p.Leu145fs; shifts the reading frame from leucine 145.
Molecular consequence: frameshift variant.
Genome position (GRCh38, 1-based): chr1:147,758,806, G deleted on the plus strand (C on the coding strand, the reverse complement: GJA5 is on the minus strand); the first of 3 consecutive G bases (chr1:147,758,806-147,758,808); deleting any one gives the same sequence. VCF-style (leftmost placement, unchanged base first): chr1-147758805-AG-A. GRCh37 (hg19) VCF-style: chr1-147230913-AG-A.
Other names: c.433delC (NM_005266.6); c.433del, p.Leu145fs (NM_005266.7); short protein forms L145fs.
Identifiers: ClinVar variation 567837 (VCV000567837.9), dbSNP rs781802553, ClinGen allele CA1065765.

ClinVar aggregate classification (germline): Uncertain significance. Review status: criteria provided, multiple submitters, no conflicts (2 of 4 stars). 2 submissions from 2 submitters: Uncertain significance (2). Last evaluated 2025-12-26.

Conditions:
Atrial fibrillation, familial, 11 (ATFB11). Identifiers: MedGen C3279693, MONDO:0013544, OMIM 614049.
Atrial standstill 1 (ATRST1). Also called: ATRIAL CARDIOMYOPATHY WITH HEART BLOCK; CARDIOMYOPATHY, FAMILIAL, WITH CONDUCTION DISTURBANCE; Atrial standstill, digenic (GJA5/SCN5A). Identifiers: Orphanet 1344, MedGen C4551959, MONDO:0007171, OMIM 108770.

Submissions (2):

Labcorp Genetics (formerly Invitae), Labcorp
Classification: Uncertain significance for Atrial fibrillation, familial, 11; Atrial standstill 1. Last evaluated: 2025-12-26. Review status: criteria provided, single submitter. Criteria: Invitae Variant Classification Sherloc (09022015). Collection method: clinical testing. Allele origin: germline.
Comment: This sequence change creates a premature translational stop signal (p.Leu145Serfs*14) in the GJA5 gene. While this is not anticipated to result in nonsense mediated decay, it is expected to disrupt the last 214 amino acid(s) of the GJA5 protein. This variant is present in population databases (rs781802553, gnomAD 0.004%). This premature translational stop signal has been observed in individual(s) with atrial fibrillation (PMID: 34495297). ClinVar contains an entry for this variant (Variation ID: 567837). In summary, the available evidence is currently insufficient to determine the role of this variant in disease. Therefore, it has been classified as a Variant of Uncertain Significance.

GeneDx
Classification: Uncertain significance. Last evaluated: 2022-10-07. Review status: criteria provided, single submitter. Criteria: GeneDx Variant Classification Process June 2021. Collection method: clinical testing. Allele origin: germline. Affected: yes.
Comment: Has not been previously published as pathogenic or benign to our knowledge; Frameshift variant predicted to result in protein truncation as the last 214 amino acids are lost and replaced with 13 incorrect amino acids, although only one downstream loss-of-function variant has been reported in HGMD and loss-of-function is not an established mechanism of disease (HGMD); Not observed at significant frequency in large population cohorts (gnomAD)

Literature cited by the submitters: PubMed 34495297 (cited by Labcorp Genetics (formerly Invitae), Labcorp).